The following is an entry in ClinVar:

NM_001164508.2(NEB):c.1933_1934del (p.Lys645fs)

Gene: NEB (nebulin; minus strand). Cytogenetic location: 2q23.3.
Variant type: Deletion.
Coding change: c.1933_1934del on transcript NM_001164508.2 (MANE Select); coding-DNA positions 1933 to 1934, 2 bases deleted (AA; older notation c.1933_1934delAA).
Protein change: p.Lys645fs; shifts the reading frame from lysine 645.
Molecular consequence: frameshift variant.
Genome position (GRCh38, 1-based): chr2:151,692,325-151,692,326, TT deleted on the plus strand (AA on the coding strand, the reverse complement: NEB is on the minus strand); deleting any 2 consecutive bases within chr2:151,692,325-151,692,327 gives the same sequence; the c. name uses the placement nearest the transcript's 3' end. VCF-style (leftmost placement, unchanged base first): chr2-151692324-CTT-C. GRCh37 (hg19) VCF-style: chr2-152548838-CTT-C.
Other names: c.1933_1934del, p.Lys645fs (NM_001164507.2, NM_001271208.2, NM_004543.5); short protein forms K645fs.
Identifiers: ClinVar variation 1456981 (VCV001456981.6), dbSNP rs2149172715, ClinGen allele CA2573133254.

ClinVar aggregate classification (germline): Pathogenic (1 of 4 stars; one submission).

Conditions:
Nemaline myopathy 2 (NEM2). Also called: Nemaline myopathy 2, autosomal recessive. Identifiers: MedGen C1850569, MONDO:0009725, OMIM 256030.

Submission:

Labcorp Genetics (formerly Invitae), Labcorp
Classification: Pathogenic for Nemaline myopathy 2. Last evaluated: 2021-08-02. Review status: criteria provided, single submitter. Criteria: Invitae Variant Classification Sherloc (09022015). Collection method: clinical testing. Allele origin: germline.
Comment: This variant has not been reported in the literature in individuals affected with NEB-related conditions. This sequence change creates a premature translational stop signal (p.Lys645Glufs*6) in the NEB gene. It is expected to result in an absent or disrupted protein product. Loss-of-function variants in NEB are known to be pathogenic (PMID: 25205138). This variant is not present in population databases (ExAC no frequency). For these reasons, this variant has been classified as Pathogenic.

Literature cited by the submitters: PubMed 25205138.